The following is an entry in ClinVar:

NM_000173.7(GP1BA):c.1108A>G (p.Ile370Val)

Gene: GP1BA (glycoprotein Ib platelet subunit alpha; plus strand). Cytogenetic location: 17p13.2.
Variant type: single nucleotide variant.
Coding change: c.1108A>G on transcript NM_000173.7 (MANE Select); coding-DNA position 1108, A replaced by G.
Protein change: p.Ile370Val; replaces isoleucine 370 with valine.
Molecular consequence: missense variant.
Genome position (GRCh38, 1-based): chr17:4,933,712, A>G. VCF-style: chr17-4933712-A-G. GRCh37 (hg19) VCF-style: chr17-4837007-A-G.
Other names: short protein forms I370V.
Identifiers: ClinVar variation 1703855 (VCV001703855.2), dbSNP rs1000836753, ClinGen allele CA287216936.

ClinVar aggregate classification (germline): Uncertain significance (1 of 4 stars; one submission).

Conditions:
Bernard-Soulier syndrome, type A2, autosomal dominant (BSSA2). Also called: Bernard-Soulier syndrome, type A2 (dominant). Identifiers: Orphanet 274, MedGen C3277076, MONDO:0007930, OMIM 153670.

Allele frequency attached by ClinVar (database versions not stated): gnomAD 0.00001; TOPMed 0.00001; gnomAD exomes 0.00006.
gnomAD v4.1: 79 of 1,613,768 alleles (0.0049%); highest among the groups gnomAD compares: Non-Finnish European, 0.0067%; no homozygotes.

Submission:

ISTH-SSC Genomics in Thrombosis and Hemostasis, KU Leuven, Center for Molecular and Vascular Biology
Classification: Uncertain significance for Bernard-Soulier syndrome, type A2, autosomal dominant. Review status: criteria provided, single submitter. Criteria: ACMG Guidelines, 2015. Collection method: clinical testing. Allele origin: germline. Affected: yes. Observed: 1 heterozygote.
Comment: Submitted to GoldVariant by Jose María Bastida and José Rivera; Grupo Español de Alteraciones Plaquetarias Congénitas (GEAPC)